The following is an entry in ClinVar:

NM_032539.5(SLITRK2):c.2450C>T (p.Pro817Leu)

Gene: SLITRK2 (SLIT and NTRK like family member 2; plus strand). Cytogenetic location: Xq27.3.
Variant type: single nucleotide variant.
Coding change: c.2450C>T on transcript NM_032539.5 (MANE Select); coding-DNA position 2450, C replaced by T.
Protein change: p.Pro817Leu; replaces proline 817 with leucine.
Molecular consequence: missense variant.
Genome position (GRCh38, 1-based): chrX:145,824,875, C>T. VCF-style: chrX-145824875-C-T. GRCh37 (hg19) VCF-style: chrX-144906393-C-T.
Other names: c.2450C>T, p.Pro817Leu (NM_001144003.3, NM_001144004.3, NM_001144005.3 and 4 more transcripts); short protein forms P817L.
Identifiers: ClinVar variation 3445648 (VCV003445648.3).
Genomic context (GRCh38, chrX:145,824,875, plus strand): 5'-GAATCAATAAAACCGTTTTATATGGAACTCCCAGGAAATGCTTTGTGGGGCAGTCAAAAC[C>T]CAACCACCCTTTACTGCAAGCTAAGCCGCAATCAGAACCGGACTACCTCGAAGTTCTGGA-3'
Protein context (NP_115928.1, residues 807-827): PRKCFVGQSK[Pro817Leu]NHPLLQAKPQ

ClinVar aggregate classification (germline): Uncertain significance. Review status: criteria provided, multiple submitters, no conflicts (2 of 4 stars). 2 submissions from 2 submitters: Uncertain significance (2). Last evaluated 2024-12-20.

Submissions (2):

Dasa
Classification: Uncertain significance. Last evaluated: 2024-12-20. Review status: criteria provided, single submitter. Criteria: DASA Assertion Criteria. Collection method: clinical testing. Allele origin: germline.
Comment: NM_032539.5(SLITRK2):c.2450C>T (p.Pro817Leu) is a missense variant that results in the substitution of proline with leucine. This variant is rare in population databases. Computational prediction algorithms are consistent with a benign effect. The currently available literature and clinical evidence are not sufficient to establish a definitive association between this variant and the reported condition. Therefore, this variant is classified as a variant of uncertain significance.

Ambry Genetics
Classification: Uncertain significance. Last evaluated: 2024-12-02. Review status: criteria provided, single submitter. Criteria: Ambry Variant Classification Scheme 2023. Collection method: clinical testing. Allele origin: germline.